The following is an entry in ClinVar:

ClinVar aggregate classification (germline): Likely benign. Review status: criteria provided, multiple submitters, no conflicts (2 of 4 stars). 3 submissions from 3 submitters: Likely benign (3). Last evaluated 2025-05-17.

Conditions:
Cardiovascular phenotype. Identifiers: MedGen CN230736.
Atrial fibrillation, familial, 14 (ATFB14). Identifiers: MedGen C3809312, MONDO:0014156, OMIM 615378.

Allele frequency attached by ClinVar (database versions not stated): gnomAD 0.00001; gnomAD exomes 0.00001 and 0.00002; TOPMed 0.00001; ExAC 0.00003.
gnomAD v4.1: 27 of 1,614,054 alleles (0.0017%); highest among the groups gnomAD compares: Middle Eastern, 0.016%; no homozygotes.

Submissions (3):

Labcorp Genetics (formerly Invitae), Labcorp
Classification: Likely benign for Atrial fibrillation, familial, 14. Last evaluated: 2025-05-17. Review status: criteria provided, single submitter. Criteria: Invitae Variant Classification Sherloc (09022015). Collection method: clinical testing. Allele origin: germline.

Ambry Genetics
Classification: Likely benign for Cardiovascular phenotype. Last evaluated: 2022-05-24. Review status: criteria provided, single submitter. Criteria: Ambry Variant Classification Scheme 2023. Collection method: clinical testing. Allele origin: germline.

GeneDx
Classification: Likely benign. Last evaluated: 2017-03-23. Review status: criteria provided, single submitter. Criteria: GeneDx Variant Classification (06012015). Collection method: clinical testing. Allele origin: germline. Affected: yes.
Comment: This variant is considered likely benign or benign based on one or more of the following criteria: it is a conservative change, it occurs at a poorly conserved position in the protein, it is predicted to be benign by multiple in silico algorithms, and/or has population frequency not consistent with disease.

NM_004588.5(SCN2B):c.408C>T (p.His136=)

Gene: SCN2B (sodium voltage-gated channel beta subunit 2; minus strand). Cytogenetic location: 11q23.3.
Variant type: single nucleotide variant.
Coding change: c.408C>T on transcript NM_004588.5 (MANE Select); coding-DNA position 408, C replaced by T.
Protein change: p.His136=; no amino-acid change (histidine 136 retained).
Molecular consequence: synonymous variant.
Genome position (GRCh38, 1-based): chr11:118,168,125, G>A on the plus strand (C>T on the coding strand, the complement: SCN2B is on the minus strand). VCF-style: chr11-118168125-G-A. GRCh37 (hg19) VCF-style: chr11-118038840-G-A.
Identifiers: ClinVar variation 508347 (VCV000508347.7), dbSNP rs780138122, ClinGen allele CA6300461.